The following is an entry in ClinVar:

ClinVar aggregate classification (germline): Likely benign (1 of 4 stars; one submission).

Conditions:
BSG-related disorder. Also called: BSG-related condition.

gnomAD v4.1: 5 of 1,596,570 alleles (0.00031%); highest among the groups gnomAD compares: East Asian, 0.0045%; no homozygotes.

Submission:

PreventionGenetics, part of Exact Sciences
Classification: Likely benign for BSG-related condition. Last evaluated: 2026-06-22. Review status: criteria provided, single submitter. Criteria: ACMG Guidelines, 2015. Collection method: clinical testing. Allele origin: germline.
Comment: This variant is classified as likely benign based on ACMG/AMP sequence variant interpretation guidelines (Richards et al. 2015 PMID: 25741868, with internal and published modifications).

NM_001728.4(BSG):c.1094+9C>T

Gene: BSG (basigin (Ok blood group); plus strand). Cytogenetic location: 19p13.3.
Variant type: single nucleotide variant.
Coding change: c.1094+9C>T on transcript NM_001728.4 (MANE Select); 9 bases into the intron after coding-DNA position 1094, C replaced by T.
Molecular consequence: intron variant.
Genome position (GRCh38, 1-based): chr19:582,339, C>T. VCF-style: chr19-582339-C-T. GRCh37 (hg19) VCF-style: chr19-582339-C-T.
Other names: c.467+9C>T (NM_198590.3, NM_198591.4); c.746+9C>T (NM_198589.3, NM_001322243.2).
Identifiers: ClinVar variation 4990103 (VCV004990103.1).